The following is an entry in ClinVar:

NM_005219.5(DIAPH1):c.2110C>T (p.Pro704Ser)

Gene: DIAPH1 (diaphanous related formin 1; minus strand). Cytogenetic location: 5q31.3.
Variant type: single nucleotide variant.
Coding change: c.2110C>T on transcript NM_005219.5 (MANE Select); coding-DNA position 2110, C replaced by T.
Protein change: p.Pro704Ser; replaces proline 704 with serine.
Molecular consequence: missense variant.
Genome position (GRCh38, 1-based): chr5:141,573,740, G>A on the plus strand (C>T on the coding strand, the complement: DIAPH1 is on the minus strand). VCF-style: chr5-141573740-G-A. GRCh37 (hg19) VCF-style: chr5-140953307-G-A.
Other names: c.2083C>T, p.Pro695Ser (NM_001079812.3); c.2110C>T, p.Pro704Ser (NM_001314007.2); short protein forms P695S, P704S.
Identifiers: ClinVar variation 4875103 (VCV004875103.2).

ClinVar aggregate classification (germline): Uncertain significance (1 of 4 stars; one submission).

Submission:

CeGaT Center for Human Genetics Tuebingen
Classification: Uncertain significance. Last evaluated: 2026-06-01. Review status: criteria provided, single submitter. Criteria: CeGaT Center For Human Genetics Tuebingen Variant Classification Criteria Version 2. Collection method: clinical testing. Allele origin: germline. Affected: yes. Observed: 1 variant allele.
Comment: DIAPH1: PM2